The following is an entry in ClinVar:

NC_000002.11:g.(?_233028159)_(233201350_?)dup

Genes: MIR562 (microRNA 562; plus strand), DIS3L2 (DIS3 like 3'-5' exoribonuclease 2; plus strand), LOC129935857 (ATAC-STARR-seq lymphoblastoid silent region 12456; plus strand), LOC129935858 (ATAC-STARR-seq lymphoblastoid silent region 12457; plus strand), LOC129935860 (ATAC-STARR-seq lymphoblastoid active region 17320; plus strand) and 4 more. Cytogenetic location: 2q37.1.
Variant type: Duplication.
Identifiers: ClinVar variation 583757 (VCV000583757.1).

ClinVar aggregate classification (germline): Uncertain significance (1 of 4 stars; one submission).

Conditions:
Perlman syndrome (PRLMNS). Identifiers: Orphanet 2849, MedGen C0796113, MONDO:0009965, OMIM 267000.

Submission:

Labcorp Genetics (formerly Invitae), Labcorp
Classification: Uncertain significance for Renal hamartomas nephroblastomatosis and fetal gigantism. Last evaluated: 2018-05-10. Review status: criteria provided, single submitter. Criteria: Invitae Variant Classification Sherloc (09022015). Collection method: clinical testing. Allele origin: germline.
Comment: This variant results in a copy number gain of the genomic region encompassing exons 9-21 of the DIS3L2 gene. The 5' boundary is likely confined to intron 8. The 3' end of this event is unknown as it extends beyond the assayed region for this gene and therefore may encompass additional genes. As the precise location of this event is unknown, it may be in tandem or it may be located elsewhere in the genome. This variant has not been reported in the literature in individuals with DIS3L2-related disease. Experimental studies and prediction algorithms are not available for this variant, and the functional significance of the duplicatedÂ¬â€ amino acidsÂ¬â€ is currently unknown. In summary, the available evidence is currently insufficient to determine the role of this variant in disease. Therefore, it has been classified as a Variant of Uncertain Significance.